The following is an entry in ClinVar:

ClinVar aggregate classification (germline): Uncertain significance (1 of 4 stars; one submission).

Submission:

Women's Health and Genetics/Laboratory Corporation of America, LabCorp
Classification: Uncertain significance. Last evaluated: 2023-11-06. Review status: criteria provided, single submitter. Criteria: LabCorp Variant Classification Summary - May 2015. Collection method: clinical testing. Allele origin: germline.
Comment: Variant summary: The variant involves the duplication of exon 4 in the CFTR gene. A presumed nomenclature of c.(273+1_274-1)_(489+1_490-1)dup has been designated for the purposes of this classification. It is assumed to be a tandem duplication in direct orientation (Richardson_GIM_2018, Newman_AJHG_2015). This Copy Number Variant (CNV) is predicted to result in an in-frame duplication within this gene. The variant was absent in 21694 control chromosomes. The available data on variant occurrences in the general population are insufficient to allow any conclusion about variant significance. To our knowledge, no occurrence of c.(273+1_274-1)_(489+1_490-1)dup in individuals affected with Cystic Fibrosis and no experimental evidence demonstrating its impact on protein function have been reported. No submitters have cited clinical-significance assessments for this variant to ClinVar after 2014. Based on the evidence outlined above, the variant was classified as uncertain significance.

NC_000007.13:g.(117149197_117170952)_(117171169_117174329)dup

Gene: CFTR (CF transmembrane conductance regulator; plus strand). Cytogenetic location: 7q31.2.
Variant type: Duplication.
Identifiers: ClinVar variation 2682340 (VCV002682340.1).